The following is an entry in ClinVar:

ClinVar aggregate classification (germline): Pathogenic. Review status: criteria provided, multiple submitters, no conflicts (2 of 4 stars). 2 submissions from 2 submitters: Pathogenic (2). Last evaluated 2025-06-12.

Conditions:
Neurofibromatosis, type 1 (NF1). Also called: VON RECKLINGHAUSEN DISEASE; Peripheral type neurofibromatosis; Neurofibromatosis, type I; NEUROFIBROMATOSIS, TYPE I, SOMATIC. Identifiers: Orphanet 636, MedGen C0027831, MONDO:0018975, OMIM 162200. Disease mechanism: loss of function.

Submissions (2):

Department of Clinical Genetics, Copenhagen University Hospital, Rigshospitalet
Classification: Pathogenic for Neurofibromatosis, type 1. Last evaluated: 2025-06-12. Review status: criteria provided, single submitter. Criteria: ACMG Guidelines, 2015. Collection method: clinical testing. Allele origin: germline.
Comment: The following ACMG criteria has been used: PS2_st, PM1_su, PM2_su, PP1_su, PP3_m, PP4_su

Labcorp Genetics (formerly Invitae), Labcorp
Classification: Pathogenic for Neurofibromatosis, type 1. Last evaluated: 2022-06-15. Review status: criteria provided, single submitter. Criteria: Invitae Variant Classification Sherloc (09022015). Collection method: clinical testing. Allele origin: germline.
Comment: This variant disrupts the c.6756G nucleotide in the NF1 gene. Other variant(s) that disrupt this nucleotide have been determined to be pathogenic (PMID: 28961165). This suggests that this nucleotide is clinically significant, and that variants that disrupt this position are likely to be disease-causing. Variants that disrupt the consensus splice site are a relatively common cause of aberrant splicing (PMID: 17576681, 9536098). Algorithms developed to predict the effect of sequence changes on RNA splicing suggest that this variant may disrupt the consensus splice site. Algorithms developed to predict the effect of missense changes on protein structure and function are either unavailable or do not agree on the potential impact of this missense change (SIFT: "Deleterious"; PolyPhen-2: "Probably Damaging"; Align-GVGD: "Class C0"). ClinVar contains an entry for this variant (Variation ID: 933505). This missense change has been observed in individual(s) with clinical features of neurofibromatosis type 1 (Invitae). This variant is not present in population databases (gnomAD no frequency). This sequence change replaces lysine, which is basic and polar, with asparagine, which is neutral and polar, at codon 2252 of the NF1 protein (p.Lys2252Asn). This variant also falls at the last nucleotide of exon 44, which is part of the consensus splice site for this exon. For these reasons, this variant has been classified as Pathogenic.

Literature cited by the submitters: PubMed 28961165 (cited by Labcorp Genetics (formerly Invitae), Labcorp); PubMed 17576681 (cited by Labcorp Genetics (formerly Invitae), Labcorp); PubMed 9536098 (cited by Labcorp Genetics (formerly Invitae), Labcorp).

NM_001042492.3(NF1):c.6819G>C (p.Lys2273Asn)

Gene: NF1 (neurofibromin 1; plus strand). Cytogenetic location: 17q11.2.
Variant type: single nucleotide variant.
Coding change: c.6819G>C on transcript NM_001042492.3 (MANE Select); coding-DNA position 6819, G replaced by C.
Protein change: p.Lys2273Asn; replaces lysine 2273 with asparagine.
Molecular consequence: missense variant.
Genome position (GRCh38, 1-based): chr17:31,338,139, G>C. VCF-style: chr17-31338139-G-C. GRCh37 (hg19) VCF-style: chr17-29665157-G-C.
Other names: c.6756G>C, p.Lys2252Asn (NM_000267.4); short protein forms K2273N, K2252N.
Identifiers: ClinVar variation 933505 (VCV000933505.7), dbSNP rs1060500373, ClinGen allele CA399014224.
Genomic context (GRCh38, chr17:31,338,139, plus strand): 5'-GTGTATTAGCAAACGAGTGTCTCATGGGCAGATAAAGCAGATAATCCGTATTCTTAGCAA[G>C]GTACCTGTTCCGCCCTCACTTCTCCCAAATATTTATGGTTCTCAAGTTGTAAAGCATATC-3'
Protein context (NP_001035957.1, residues 2263-2283): QIKQIIRILS[Lys2273Asn]ALESCLKGPD